The following is an entry in ClinVar:

NM_020964.3(EPG5):c.3130C>A (p.Leu1044Ile)

Gene: EPG5 (ectopic P-granules 5 autophagy tethering factor; minus strand). Cytogenetic location: 18q21.1.
Variant type: single nucleotide variant.
Coding change: c.3130C>A on transcript NM_020964.3 (MANE Select); coding-DNA position 3130, C replaced by A.
Protein change: p.Leu1044Ile; replaces leucine 1044 with isoleucine.
Molecular consequence: missense variant.
Genome position (GRCh38, 1-based): chr18:45,917,788, G>T on the plus strand (C>A on the coding strand, the complement: EPG5 is on the minus strand). VCF-style: chr18-45917788-G-T. GRCh37 (hg19) VCF-style: chr18-43497753-G-T.
Other names: c.3130C>A (NM_020964.2); c.3130C>A, p.Leu1044Ile (NM_001410858.1, NM_001410859.1); short protein forms L1044I.
Identifiers: ClinVar variation 1720915 (VCV001720915.4), dbSNP rs2511835447, ClinGen allele CA402343717.

ClinVar aggregate classification (germline): Uncertain significance. Review status: criteria provided, multiple submitters, no conflicts (2 of 4 stars). 2 submissions from 2 submitters: Uncertain significance (2). Last evaluated 2025-05-12.

Conditions:
Vici syndrome (VICIS). Identifiers: Orphanet 1493, MedGen C1855772, MONDO:0009452, OMIM 242840.

Allele frequency attached by ClinVar (database versions not stated): gnomAD exomes below 0.00001.
gnomAD v4.1: 2 of 1,614,120 alleles (0.00012%); highest among the groups gnomAD compares: Non-Finnish European, 0.00017%; no homozygotes.

Submissions (2):

GeneDx
Classification: Uncertain significance. Last evaluated: 2025-05-12. Review status: criteria provided, single submitter. Criteria: GeneDx Variant Classification Process June 2021. Collection method: clinical testing. Allele origin: germline.
Comment: Not observed at significant frequency in large population cohorts (gnomAD); In silico analysis suggests that this missense variant does not alter protein structure/function; Has not been previously published as pathogenic or benign to our knowledge

Labcorp Genetics (formerly Invitae), Labcorp
Classification: Uncertain significance for Vici syndrome. Last evaluated: 2022-10-03. Review status: criteria provided, single submitter. Criteria: Invitae Variant Classification Sherloc (09022015). Collection method: clinical testing. Allele origin: germline.
Comment: This sequence change replaces leucine, which is neutral and non-polar, with isoleucine, which is neutral and non-polar, at codon 1044 of the EPG5 protein (p.Leu1044Ile). This variant is not present in population databases (gnomAD no frequency). This variant has not been reported in the literature in individuals affected with EPG5-related conditions. Advanced modeling of protein sequence and biophysical properties (such as structural, functional, and spatial information, amino acid conservation, physicochemical variation, residue mobility, and thermodynamic stability) has been performed at Invitae for this missense variant, however the output from this modeling did not meet the statistical confidence thresholds required to predict the impact of this variant on EPG5 protein function. In summary, the available evidence is currently insufficient to determine the role of this variant in disease. Therefore, it has been classified as a Variant of Uncertain Significance.